The following is an entry in ClinVar:

ClinVar aggregate classification (germline): Likely benign. Review status: criteria provided, multiple submitters, no conflicts (2 of 4 stars). 4 submissions from 4 submitters: Likely benign (3). 1 of the submissions does not count toward it. Last evaluated 2026-01-13.

Conditions:
COL18A1-related disorder. Also called: COL18A1-related disorders; COL18A1-related condition.

Allele frequency attached by ClinVar (database versions not stated): gnomAD exomes 0.00001; gnomAD 0.00003; TOPMed 0.00004; ESP Exome Variant Server 0.00008; 1000 Genomes Project 30x 0.00016; 1000 Genomes Project 0.00020.
gnomAD v4.1: 38 of 1,613,934 alleles (0.0024%); highest among the groups gnomAD compares: East Asian, 0.011%; no homozygotes.

Submissions (4):

Labcorp Genetics (formerly Invitae), Labcorp
Classification: Likely benign. Last evaluated: 2026-01-13. Review status: criteria provided, single submitter. Criteria: Invitae Variant Classification Sherloc (09022015). Collection method: clinical testing. Allele origin: germline.

Women's Health and Genetics/Laboratory Corporation of America, LabCorp
Classification: Likely benign. Last evaluated: 2024-04-25. Review status: criteria provided, single submitter. Criteria: LabCorp Variant Classification Summary - May 2015. Collection method: clinical testing. Allele origin: germline.

Blueprint Genetics
Classification: Likely benign. Last evaluated: 2023-10-24. Review status: criteria provided, single submitter. Criteria: ACMG Guidelines, 2015. Collection method: clinical testing. Allele origin: germline.

PreventionGenetics, part of Exact Sciences
Classification: Likely benign for COL18A1-related condition. Last evaluated: 2019-06-12. Review status: no assertion criteria provided. Collection method: clinical testing. Allele origin: germline. Not counted in ClinVar's aggregate classification.
Comment: This variant is classified as likely benign based on ACMG/AMP sequence variant interpretation guidelines (Richards et al. 2015 PMID: 25741868, with internal and published modifications).

NM_001379500.1(COL18A1):c.474C>T (p.Phe158=)

Gene: COL18A1 (collagen type XVIII alpha 1 chain; plus strand). Cytogenetic location: 21q22.3.
Variant type: single nucleotide variant.
Coding change: c.474C>T on transcript NM_001379500.1 (MANE Select); coding-DNA position 474, C replaced by T.
Protein change: p.Phe158=; no amino-acid change (phenylalanine 158 retained).
Molecular consequence: synonymous variant.
Genome position (GRCh38, 1-based): chr21:45,468,609, C>T. VCF-style: chr21-45468609-C-T. GRCh37 (hg19) VCF-style: chr21-46888523-C-T.
Other names: c.1014C>T (NM_030582.3); c.1014C>T, p.Phe338= (NM_030582.4); c.1719C>T, p.Phe573= (NM_130444.3).
Identifiers: ClinVar variation 1670034 (VCV001670034.12), dbSNP rs377547341, ClinGen allele CA10065756.